The following is an entry in ClinVar:

ClinVar aggregate classification (germline): Conflicting classifications of pathogenicity. Review status: criteria provided, conflicting classifications (1 of 4 stars). 6 submissions from 6 submitters: Uncertain significance (4); Likely benign (2). Last evaluated 2026-03-27.

Conditions:
BRCA2-related cancer predisposition. Identifiers: MedGen CN377758, MONDO:0700269.
Inherited ovarian cancer (without breast cancer).
Hereditary cancer-predisposing syndrome. Also called: Tumor predisposition; Neoplastic Syndromes, Hereditary; Hereditary Cancer Syndrome; Hereditary neoplastic syndrome. Identifiers: Orphanet 140162, MedGen C0027672, MeSH D009386, MONDO:0015356.
Hereditary breast ovarian cancer syndrome. Also called: Hereditary breast and/or ovarian cancer syndrome; Hereditary breast and ovarian cancer; Hereditary breast and ovarian cancer syndrome; Hereditary breast and ovarian cancer syndrome (HBOC); BRCA1- and BRCA2-Associated Hereditary Breast and Ovarian Cancer; Breast and ovarian cancer. Identifiers: Orphanet 145, MedGen C0677776, MeSH D061325, MONDO:0003582. Disease mechanism: loss of function.

Allele frequency attached by ClinVar (database versions not stated): gnomAD exomes 0.00001 and below 0.00001.
gnomAD v4.1: 8 of 1,607,070 alleles (0.0005%); highest among the groups gnomAD compares: Non-Finnish European, 0.00059%; no homozygotes.

Submissions (6):

Cambridge Genomics Laboratory, East Genomic Laboratory Hub, NHS Genomic Medicine Service
Classification: Likely benign for Inherited ovarian cancer (without breast cancer). Last evaluated: 2026-03-27. Review status: criteria provided, single submitter. Criteria: ACGS Best Practice Guidelines for Variant Classification in Rare Disease 2020. Collection method: clinical testing. Allele origin: germline. Affected: yes.
Comment: PM2_Supporting,PP4,BP1_Strong,BP4

All of Us Research Program, National Institutes of Health
Classification: Uncertain significance for BRCA2-related cancer predisposition. Last evaluated: 2024-03-24. Review status: criteria provided, single submitter. Criteria: ACMG Guidelines, 2015. Collection method: clinical testing. Allele origin: germline. Inheritance: Autosomal dominant inheritance. Observed: 1 variant allele, 1 heterozygote.
Comment: This missense variant replaces asparagine with histidine at codon 2101 of the BRCA2 protein. Computational prediction suggests that this variant may not impact protein structure and function. To our knowledge, functional studies have not been reported for this variant. This variant has been reported in individuals with a personal or family history of breast or ovarian cancer (PMID: 17922257). This variant has been identified in 1/243214 chromosomes in the general population by the Genome Aggregation Database (gnomAD). The available evidence is insufficient to determine the role of this variant in disease conclusively. Therefore, this variant is classified as a Variant of Uncertain Significance.

This study involves interpretation of variants in research participants for the purpose of population health screening. Participant phenotype was not available at the time of variant classification. Additional details can be found in publication PMID: 35346344, PMCID: PMC8962531

Color Diagnostics, LLC DBA Color Health
Classification: Uncertain significance for Hereditary cancer-predisposing syndrome. Last evaluated: 2024-02-15. Review status: criteria provided, single submitter. Criteria: ACMG Guidelines, 2015. Collection method: clinical testing. Allele origin: germline.
Comment: This missense variant replaces asparagine with histidine at codon 2101 of the BRCA2 protein. Computational prediction suggests that this variant may not impact protein structure and function. To our knowledge, functional studies have not been reported for this variant. This variant has been reported in individuals with a personal or family history of breast or ovarian cancer (PMID: 17922257). This variant has been identified in 1/243214 chromosomes in the general population by the Genome Aggregation Database (gnomAD). The available evidence is insufficient to determine the role of this variant in disease conclusively. Therefore, this variant is classified as a Variant of Uncertain Significance.

Labcorp Genetics (formerly Invitae), Labcorp
Classification: Uncertain significance for Hereditary breast ovarian cancer syndrome. Last evaluated: 2023-04-09. Review status: criteria provided, single submitter. Criteria: Invitae Variant Classification Sherloc (09022015). Collection method: clinical testing. Allele origin: germline.
Comment: In summary, the available evidence is currently insufficient to determine the role of this variant in disease. Therefore, it has been classified as a Variant of Uncertain Significance. Advanced modeling of protein sequence and biophysical properties (such as structural, functional, and spatial information, amino acid conservation, physicochemical variation, residue mobility, and thermodynamic stability) performed at Invitae indicates that this missense variant is not expected to disrupt BRCA2 protein function. ClinVar contains an entry for this variant (Variation ID: 482986). This missense change has been observed in individual(s) with a personal and/or family history of breast and/or ovarian cancer (PMID: 17922257). This variant is present in population databases (no rsID available, gnomAD 0.0009%). This sequence change replaces asparagine, which is neutral and polar, with histidine, which is basic and polar, at codon 2101 of the BRCA2 protein (p.Asn2101His).

University of Washington Department of Laboratory Medicine, University of Washington
Classification: Likely benign for Hereditary cancer-predisposing syndrome. Last evaluated: 2023-03-23. Review status: criteria provided, single submitter. Criteria: Dines et al. (Genet Med. 2020). Collection method: curation. Allele origin: germline.
Comment: Missense variant in a coldspot region where missense variants are very unlikely to be pathogenic (PMID:31911673).

BRCA2 exon 11 coldspot. Reclassification based on statistical prior probability.

Ambry Genetics
Classification: Uncertain significance for Hereditary cancer-predisposing syndrome. Last evaluated: 2022-01-25. Review status: criteria provided, single submitter. Criteria: Ambry Variant Classification Scheme 2023. Collection method: clinical testing. Allele origin: germline.
Comment: The p.N2101H variant (also known as c.6301A>C), located in coding exon 10 of the BRCA2 gene, results from an A to C substitution at nucleotide position 6301. The asparagine at codon 2101 is replaced by histidine, an amino acid with similar properties. In one study of 36 Tunisian breast cancer patients who had at least one first-degree relative with breast and/or ovarian cancer, this variant was seen at a frequency of 3%, and was reported as a polymorphism (Troudi W et al. J. Hum. Genet. 2007; 52(11):915-20). This amino acid position is poorly conserved in available vertebrate species. In addition, this alteration is predicted to be tolerated by in silico analysis. Since supporting evidence is limited at this time, the clinical significance of this alteration remains unclear.

Literature cited by the submitters: PubMed 17922257 (cited by 4 submitters).

NM_000059.4(BRCA2):c.6301A>C (p.Asn2101His)

Gene: BRCA2 (BRCA2 DNA repair associated; plus strand). Cytogenetic location: 13q13.1.
Variant type: single nucleotide variant.
Coding change: c.6301A>C on transcript NM_000059.4 (MANE Select); coding-DNA position 6301, A replaced by C.
Protein change: p.Asn2101His; replaces asparagine 2101 with histidine.
Molecular consequence: missense variant.
Genome position (GRCh38, 1-based): chr13:32,340,656, A>C. VCF-style: chr13-32340656-A-C. GRCh37 (hg19) VCF-style: chr13-32914793-A-C.
Other names: short protein forms N2101H.
Identifiers: ClinVar variation 482986 (VCV000482986.19), dbSNP rs1430866716, ClinGen allele CA387789027.